The following is an entry in ClinVar:

NC_000007.13:g.(?_91737798)_(91739483_?)del

Gene: AKAP9 (A-kinase anchoring protein 9; plus strand). Cytogenetic location: 7q21.2.
Variant type: Deletion.
Identifiers: ClinVar variation 1036131 (VCV001036131.5).

ClinVar aggregate classification (germline): Uncertain significance (1 of 4 stars; one submission).

Conditions:
Long QT syndrome (LQTS). Identifiers: MedGen C0023976, MeSH D008133, MONDO:0002442. Disease mechanism: loss of function. Inheritance: Various modes of inheritance.

Submission:

Labcorp Genetics (formerly Invitae), Labcorp
Classification: Uncertain significance for Long QT syndrome. Last evaluated: 2020-06-21. Review status: criteria provided, single submitter. Criteria: Invitae Variant Classification Sherloc (09022015). Collection method: clinical testing. Allele origin: germline.
Comment: This variant is a gross deletion of the genomic region encompassing exon(s) 49-50 of the AKAP9 gene. The 5' boundary is likely confined to intron 48. The 3' end of this event is unknown as it extends through the termination codon beyond the assayed region for this gene and may encompass additional genes. While this deletion is not anticipated to result in nonsense mediated decay, it is expected to create a truncated protein product or disrupt mRNA translation. In summary, the available evidence is currently insufficient to determine the role of this variant in disease. Therefore, it has been classified as a Variant of Uncertain Significance. Experimental studies and prediction algorithms are not available or were not evaluated, and the functional significance of this variant is currently unknown. This variant has not been reported in the literature in individuals with AKAP9-related conditions.